The following is an entry in ClinVar:

ClinVar aggregate classification (germline): Uncertain significance. Review status: criteria provided, multiple submitters, no conflicts (2 of 4 stars). 3 submissions from 3 submitters: Uncertain significance (3). Last evaluated 2026-02-17.

Conditions:
3-Methylglutaconic aciduria type 3 (MGCA3). Also called: Costeff Syndrome; OPA3, AUTOSOMAL RECESSIVE; OPTIC ATROPHY 3, AUTOSOMAL RECESSIVE; OPA3-Related 3-Methylglutaconic Aciduria. Identifiers: Orphanet 67047, MedGen C0574084, MONDO:0009787, OMIM 258501.

Submissions (3):

Myriad Genetics, Inc.
Classification: Uncertain significance for 3-Methylglutaconic aciduria type 3. Last evaluated: 2026-02-17. Review status: criteria provided, single submitter. Criteria: Myriad Autosomal Dominant, Autosomal Recessive and X-Linked Classification Criteria (2023). Collection method: clinical testing. Allele origin: unknown.
Comment: NM_025136.3(OPA3):c.389C>T(A130V) is a missense variant classified as a variant of uncertain significance in the context of Costeff optic atrophy syndrome. A130V has been observed in a case with relevant disease (PMID: 38576124). Relevant functional assessments of this variant are not available in the literature. A130V has not been observed in referenced population frequency databases. In summary, there is insufficient evidence to classify NM_025136.3(OPA3):c.389C>T(A130V) as pathogenic or benign. Please note: this variant was assessed in the context of healthy population screening.

CeGaT Center for Human Genetics Tuebingen
Classification: Uncertain significance. Last evaluated: 2024-12-01. Review status: criteria provided, single submitter. Criteria: CeGaT Center For Human Genetics Tuebingen Variant Classification Criteria Version 2. Collection method: clinical testing. Allele origin: germline. Affected: yes. Observed: 1 variant allele.
Comment: OPA3: PM2, PP3

GeneDx
Classification: Uncertain significance. Last evaluated: 2022-01-11. Review status: criteria provided, single submitter. Criteria: GeneDx Variant Classification Process June 2021. Collection method: clinical testing. Allele origin: germline. Affected: yes.
Comment: Not observed at significant frequency in large population cohorts (gnomAD); In silico analysis supports that this missense variant does not alter protein structure/function; Has not been previously published as pathogenic or benign to our knowledge

Literature cited by the submitters: PubMed 38576124 (cited by Myriad Genetics, Inc.).

NM_025136.4(OPA3):c.389C>T (p.Ala130Val)

Genes: OPA3 (outer mitochondrial membrane lipid metabolism regulator OPA3; minus strand), OPA3-RTN2 (OPA3-RTN2 readthrough; minus strand). Cytogenetic location: 19q13.32.
Variant type: single nucleotide variant.
Coding change: c.389C>T on transcript NM_025136.4 (MANE Select); coding-DNA position 389, C replaced by T.
Protein change: p.Ala130Val; replaces alanine 130 with valine.
Molecular consequence: missense variant. On other transcripts: intron variant (1).
Genome position (GRCh38, 1-based): chr19:45,553,665, G>A on the plus strand (C>T on the coding strand, the complement: OPA3 is on the minus strand). VCF-style: chr19-45553665-G-A. GRCh37 (hg19) VCF-style: chr19-46056923-G-A.
Other names: c.143-24209C>T (NM_001017989.3); short protein forms A130V.
Identifiers: ClinVar variation 1695859 (VCV001695859.16), dbSNP rs780275755, ClinGen allele CA406370204.